The following is an entry in ClinVar:

NM_033087.4(ALG2):c.948_957delinsAGCTCCCTCC (p.Cys317_Leu319delinsAlaProSer)

Gene: ALG2 (ALG2 alpha-1,3/1,6-mannosyltransferase; minus strand). Cytogenetic location: 9q22.33.
Variant type: Indel.
Coding change: c.948_957delinsAGCTCCCTCC on transcript NM_033087.4 (MANE Select); coding-DNA positions 948 to 957, GTGTGTGCTT replaced by AGCTCCCTCC.
Protein change: p.Cys317_Leu319delinsAlaProSer.
Molecular consequence: missense variant. On other transcripts: non-coding transcript variant (1).
Genome position (GRCh38, 1-based): chr9:99,218,228-99,218,237, AAGCACACAC replaced by GGAGGGAGCT on the plus strand (GTGTGTGCTT replaced by AGCTCCCTCC on the coding strand, the reverse complement: ALG2 is on the minus strand). VCF-style: chr9-99218228-AAGCACACAC-GGAGGGAGCT. GRCh37 (hg19) VCF-style: chr9-101980510-AAGCACACAC-GGAGGGAGCT.
Identifiers: ClinVar variation 4853762 (VCV004853762.1).

ClinVar aggregate classification (germline): Uncertain significance (1 of 4 stars; one submission).

Submission:

Women's Health and Genetics/Laboratory Corporation of America, LabCorp
Classification: Uncertain significance. Last evaluated: 2026-05-20. Review status: criteria provided, single submitter. Criteria: LabCorp Variant Classification Summary - May 2015. Collection method: clinical testing. Allele origin: germline.
Comment: Variant summary: ALG2 c.948_957delins10 (p.Cys317_Leu319delinsAlaProSer) results in an in-frame deletion-insertion that is predicted to delete and insert three amino acids from the protein. The variant was absent in 282586 control chromosomes (gnomAD). The available data on variant occurrences in the general population are insufficient to allow any conclusion about variant significance. To our knowledge, no occurrence of c.948_957delins10 in individuals affected with ALG2-related conditions and no experimental evidence demonstrating its impact on protein function have been reported. No submitters have cited clinical-significance assessments for this variant to ClinVar. Based on the evidence outlined above, the variant was classified as uncertain significance.